The following is an entry in ClinVar:

NM_001355436.2(SPTB):c.1498A>G (p.Thr500Ala)

Gene: SPTB (spectrin beta, erythrocytic; minus strand). Cytogenetic location: 14q23.3.
Variant type: single nucleotide variant.
Coding change: c.1498A>G on transcript NM_001355436.2 (MANE Select); coding-DNA position 1498, A replaced by G.
Protein change: p.Thr500Ala; replaces threonine 500 with alanine.
Molecular consequence: missense variant.
Genome position (GRCh38, 1-based): chr14:64,795,483, T>C on the plus strand (A>G on the coding strand, the complement: SPTB is on the minus strand). VCF-style: chr14-64795483-T-C. GRCh37 (hg19) VCF-style: chr14-65262201-T-C.
Other names: NM_000347.5:c.1498A>G; c.1498A>G, p.Thr500Ala (NM_001024858.4, NM_001355437.2); c.1498A>G (NM_001024858.2); short protein forms T500A.
Identifiers: ClinVar variation 3448934 (VCV003448934.2).
Genomic context (GRCh38, chr14:64,795,483, plus strand): 5'-GGGACTGCAGCAGCTCCTGCAGGTAGCTCCATAGGCGCAGTATATTGTCCTTGCGGGCCG[T>C]GATGCGCTTCTGGTCATGGTAGTTCTCTTTCTCCAGCTCCTGAGCCAGGTCCTCCAGGGC-3'
Protein context (NP_001342365.1, residues 490-510): KENYHDQKRI[Thr500Ala]ARKDNILRLW

ClinVar aggregate classification (germline): Uncertain significance. Review status: criteria provided, multiple submitters, no conflicts (2 of 4 stars). 2 submissions from 2 submitters: Uncertain significance (2). Last evaluated 2025-04-10.

Conditions:
SPTB-related disorder. Also called: SPTB-Related Disorders; SPTB-related condition.
Inborn genetic diseases. Identifiers: MedGen C0950123, MeSH D030342.

gnomAD v4.1: 34 of 1,614,038 alleles (0.0021%); highest among the groups gnomAD compares: African/African-American, 0.039%; no homozygotes.

Submissions (2):

PreventionGenetics, part of Exact Sciences
Classification: Uncertain significance for SPTB-related condition. Last evaluated: 2025-04-10. Review status: criteria provided, single submitter. Criteria: ACMG Guidelines, 2015. Collection method: clinical testing. Allele origin: germline.
Comment: The SPTB c.1498A>G variant is predicted to result in the amino acid substitution p.Thr500Ala. To our knowledge, this variant has not been reported in the literature. This variant is reported in 0.024% of alleles in individuals of African descent in gnomAD. At this time, the clinical significance of this variant is uncertain due to the absence of conclusive functional and genetic evidence.

Ambry Genetics
Classification: Uncertain significance for Inborn genetic diseases. Last evaluated: 2024-10-25. Review status: criteria provided, single submitter. Criteria: Ambry Variant Classification Scheme 2023. Collection method: clinical testing. Allele origin: germline.